The following is an entry in ClinVar:

ClinVar aggregate classification (germline): Uncertain significance. Review status: criteria provided, multiple submitters, no conflicts (2 of 4 stars). 2 submissions from 2 submitters: Uncertain significance (2). Last evaluated 2024-10-25.

Allele frequency attached by ClinVar (database versions not stated): gnomAD exomes 0.00001.
gnomAD v4.1: 4 of 1,614,126 alleles (0.00025%); highest among the groups gnomAD compares: Non-Finnish European, 0.00025%; no homozygotes.

Submissions (2):

Labcorp Genetics (formerly Invitae), Labcorp
Classification: Uncertain significance. Last evaluated: 2024-10-25. Review status: criteria provided, single submitter. Criteria: Invitae Variant Classification Sherloc (09022015). Collection method: clinical testing. Allele origin: germline.
Comment: This sequence change replaces valine, which is neutral and non-polar, with glycine, which is neutral and non-polar, at codon 220 of the PDE6C protein (p.Val220Gly). This variant is not present in population databases (gnomAD no frequency). This variant has not been reported in the literature in individuals affected with PDE6C-related conditions. ClinVar contains an entry for this variant (Variation ID: 1521741). Invitae Evidence Modeling of protein sequence and biophysical properties (such as structural, functional, and spatial information, amino acid conservation, physicochemical variation, residue mobility, and thermodynamic stability) indicates that this missense variant is not expected to disrupt PDE6C protein function with a negative predictive value of 80%. In summary, the available evidence is currently insufficient to determine the role of this variant in disease. Therefore, it has been classified as a Variant of Uncertain Significance.

Blueprint Genetics
Classification: Uncertain significance. Last evaluated: 2022-08-08. Review status: criteria provided, single submitter. Criteria: ACMG Guidelines, 2015. Collection method: clinical testing. Allele origin: germline.

NM_006204.4(PDE6C):c.659T>G (p.Val220Gly)

Gene: PDE6C (phosphodiesterase 6C; plus strand). Cytogenetic location: 10q23.33.
Variant type: single nucleotide variant.
Coding change: c.659T>G on transcript NM_006204.4 (MANE Select); coding-DNA position 659, T replaced by G.
Protein change: p.Val220Gly; replaces valine 220 with glycine.
Molecular consequence: missense variant.
Genome position (GRCh38, 1-based): chr10:93,620,916, T>G. VCF-style: chr10-93620916-T-G. GRCh37 (hg19) VCF-style: chr10-95380673-T-G.
Other names: short protein forms V220G.
Identifiers: ClinVar variation 1521741 (VCV001521741.7), dbSNP rs2058442665, ClinGen allele CA377627203.